The following is an entry in ClinVar:

ClinVar aggregate classification (germline): Uncertain significance (0 of 4 stars; one submission).

Conditions:
PLXNA2-related disorder. Also called: PLXNA2-related condition.

Submission:

PreventionGenetics, part of Exact Sciences
Classification: Uncertain significance for PLXNA2-related condition. Last evaluated: 2024-02-07. Review status: no assertion criteria provided. Collection method: clinical testing. Allele origin: germline.
Comment: The PLXNA2 c.2785C>A variant is predicted to result in the amino acid substitution p.Pro929Thr. To our knowledge, this variant has not been reported in the literature or in a large population database, indicating this variant is rare. At this time, the clinical significance of this variant is uncertain due to the absence of conclusive functional and genetic evidence.

NM_025179.4(PLXNA2):c.2785C>A (p.Pro929Thr)

Gene: PLXNA2 (plexin A2; minus strand). Cytogenetic location: 1q32.2.
Variant type: single nucleotide variant.
Coding change: c.2785C>A on transcript NM_025179.4 (MANE Select); coding-DNA position 2785, C replaced by A.
Protein change: p.Pro929Thr; replaces proline 929 with threonine.
Molecular consequence: missense variant.
Genome position (GRCh38, 1-based): chr1:208,054,492, G>T on the plus strand (C>A on the coding strand, the complement: PLXNA2 is on the minus strand). VCF-style: chr1-208054492-G-T. GRCh37 (hg19) VCF-style: chr1-208227837-G-T.
Other names: short protein forms P929T.
Identifiers: ClinVar variation 3350067 (VCV003350067.1).